The following is an entry in ClinVar:

ClinVar aggregate classification (germline): Uncertain significance (1 of 4 stars; one submission).

Conditions:
Generalized epilepsy with febrile seizures plus, type 7 (GEFSP7). Also called: GEFS+, TYPE 7. Identifiers: Orphanet 36387, MedGen C2751778, MONDO:0013470, OMIM 613863.
Neuropathy, hereditary sensory and autonomic, type 2A (HSAN2A). Also called: NEUROPATHY, CONGENITAL SENSORY; NEUROPATHY, HEREDITARY SENSORY RADICULAR, AUTOSOMAL RECESSIVE; NEUROPATHY, HEREDITARY SENSORY, TYPE IIA; NEUROPATHY, PROGRESSIVE SENSORY, OF CHILDREN; HSAN IIA; MORVAN DISEASE. Identifiers: Orphanet 970, MedGen C2752089, MONDO:0024309, OMIM 201300.

gnomAD v4.1: 1 of 1,609,534 alleles (0.000062%); highest among the groups gnomAD compares: Non-Finnish European, 0.000085%; no homozygotes.

Submission:

Labcorp Genetics (formerly Invitae), Labcorp
Classification: Uncertain significance for Neuropathy, hereditary sensory and autonomic, type 2A; Generalized epilepsy with febrile seizures plus, type 7. Last evaluated: 2025-05-05. Review status: criteria provided, single submitter. Criteria: Invitae Variant Classification Sherloc (09022015). Collection method: clinical testing. Allele origin: germline.
Comment: This sequence change replaces proline, which is neutral and non-polar, with alanine, which is neutral and non-polar, at codon 1482 of the SCN9A protein (p.Pro1482Ala). This variant is not present in population databases (gnomAD no frequency). This variant has not been reported in the literature in individuals affected with SCN9A-related conditions. ClinVar contains an entry for this variant (Variation ID: 1379457). Invitae Evidence Modeling of protein sequence and biophysical properties (such as structural, functional, and spatial information, amino acid conservation, physicochemical variation, residue mobility, and thermodynamic stability) indicates that this missense variant is not expected to disrupt SCN9A protein function with a negative predictive value of 95%. In summary, the available evidence is currently insufficient to determine the role of this variant in disease. Therefore, it has been classified as a Variant of Uncertain Significance.

NM_001365536.1(SCN9A):c.4477C>G (p.Pro1493Ala)

Genes: SCN1A-AS1 (SCN1A and SCN9A antisense RNA 1; plus strand), SCN9A (sodium voltage-gated channel alpha subunit 9; minus strand). Cytogenetic location: 2q24.3.
Variant type: single nucleotide variant.
Coding change: c.4477C>G on transcript NM_001365536.1 (MANE Select); coding-DNA position 4477, C replaced by G.
Protein change: p.Pro1493Ala; replaces proline 1493 with alanine.
Molecular consequence: missense variant.
Genome position (GRCh38, 1-based): chr2:166,204,386, G>C on the plus strand (C>G on the coding strand, the complement: SCN9A is on the minus strand). VCF-style: chr2-166204386-G-C. GRCh37 (hg19) VCF-style: chr2-167060896-G-C.
Other names: c.4444C>G, p.Pro1482Ala (NM_002977.4); short protein forms P1482A, P1493A.
Identifiers: ClinVar variation 1379457 (VCV001379457.6), dbSNP rs1308563478, ClinGen allele CA349058181.
Genomic context (GRCh38, chr2:166,204,386, plus strand): 5'-AATCTATATGCTAAAGATATATATATTTTTTTACCCCTGGTCGAGGAATTGGCTTTTGTG[G>C]CTTCTTGGACCCCAGCTTTTTCATTGCATTATAGTATTTCTTCTGTTCTTCTGTCATAAA-3'
Protein context (NP_001352465.1, residues 1483-1503): NAMKKLGSKK[Pro1493Ala]QKPIPRPGNK